The following is an entry in ClinVar:

ClinVar aggregate classification (germline): Uncertain significance (1 of 4 stars; one submission).

Submission:

Labcorp Genetics (formerly Invitae), Labcorp
Classification: Uncertain significance. Last evaluated: 2021-11-22. Review status: criteria provided, single submitter. Criteria: Invitae Variant Classification Sherloc (09022015). Collection method: clinical testing. Allele origin: germline.
Comment: In summary, the available evidence is currently insufficient to determine the role of this variant in disease. Therefore, it has been classified as a Variant of Uncertain Significance. Algorithms developed to predict the effect of missense changes on protein structure and function are either unavailable or do not agree on the potential impact of this missense change (SIFT: "Tolerated"; PolyPhen-2: "Probably Damaging"; Align-GVGD: "Class C0"). This variant has not been reported in the literature in individuals affected with C6-related conditions. This variant is not present in population databases (gnomAD no frequency). This sequence change replaces threonine, which is neutral and polar, with proline, which is neutral and non-polar, at codon 367 of the C6 protein (p.Thr367Pro).

NM_000065.5(C6):c.1099A>C (p.Thr367Pro)

Gene: C6 (complement C6; minus strand). Cytogenetic location: 5p13.1.
Variant type: single nucleotide variant.
Coding change: c.1099A>C on transcript NM_000065.5 (MANE Select); coding-DNA position 1099, A replaced by C.
Protein change: p.Thr367Pro; replaces threonine 367 with proline.
Molecular consequence: missense variant.
Genome position (GRCh38, 1-based): chr5:41,176,544, T>G on the plus strand (A>C on the coding strand, the complement: C6 is on the minus strand). VCF-style: chr5-41176544-T-G. GRCh37 (hg19) VCF-style: chr5-41176646-T-G.
Other names: c.1099A>C, p.Thr367Pro (NM_001115131.4); short protein forms T367P.
Identifiers: ClinVar variation 1394389 (VCV001394389.6), dbSNP rs2150311677, ClinGen allele CA359600543.